The following is an entry in ClinVar:

Conditions:
Breast-ovarian cancer, familial, susceptibility to, 1 (BROVCA1). Also called: BRCA1 Hereditary Breast and Ovarian Cancer; OVARIAN CANCER, SUSCEPTIBILITY TO. Identifiers: Orphanet 145, MedGen C2676676, MONDO:0011450, OMIM 604370. Disease mechanism: loss of function.

Submission:

Brotman Baty Institute, University of Washington
No classification provided (evidence only). Condition: Breast-ovarian cancer, familial 1. Review status: no classification provided. Collection method: in vitro. Allele origin: not applicable. Functional consequence: functionally_abnormal.
ClinVar note: "not provided" was previously submitted as the classification for the variant. However, the classification appeared to be based only on an observation of functional data so it was converted to no classification on 2025-07-30.

NM_007294.4(BRCA1):c.5227G>C (p.Gly1743Arg)

Gene: BRCA1 (BRCA1 DNA repair associated; minus strand). Cytogenetic location: 17q21.31.
Variant type: single nucleotide variant.
Coding change: c.5227G>C on transcript NM_007294.4 (MANE Select); coding-DNA position 5227, G replaced by C.
Protein change: p.Gly1743Arg; replaces glycine 1743 with arginine.
Molecular consequence: missense variant. On other transcripts: non-coding transcript variant (1).
Genome position (GRCh38, 1-based): chr17:43,057,102, C>G on the plus strand (G>C on the coding strand, the complement: BRCA1 is on the minus strand). VCF-style: chr17-43057102-C-G. GRCh37 (hg19) VCF-style: chr17-41209119-C-G.
Other names: c.5101G>C, p.Gly1701Arg (NM_001407677.1, NM_001407678.1, NM_001407670.1 and 10 more transcripts); c.5098G>C, p.Gly1700Arg (NM_001407689.1, NM_001407681.1, NM_001407682.1 and 6 more transcripts); c.5095G>C, p.Gly1699Arg (NM_001407690.1, NM_001407691.1); c.5086G>C, p.Gly1696Arg (NM_001407692.1, NM_001407694.1, NM_001407695.1 and 13 more transcripts); c.5083G>C, p.Gly1695Arg (NM_001407734.1, NM_001407735.1, NM_001407736.1 and 21 more transcripts); c.5080G>C, p.Gly1694Arg (NM_001407838.1, NM_001407839.1, NM_001407841.1 and 12 more transcripts); c.5221G>C, p.Gly1741Arg (NM_001407861.1, NM_001407629.1, NM_001407630.1 and 14 more transcripts); c.5026G>C, p.Gly1676Arg (NM_001407862.1); and 72 more; short protein forms G1743R, G639R, G1696R, G1764R, G1614R, G1616R, G1672R, G1673R.
Identifiers: ClinVar variation 865182 (VCV000865182.3), dbSNP rs2051517323, ClinGen allele CA10591089.